The following is an entry in ClinVar:

ClinVar aggregate classification (germline): Uncertain significance (1 of 4 stars; one submission).

Conditions:
Cardiovascular phenotype. Identifiers: MedGen CN230736.

gnomAD v4.1: 1 of 1,508,490 alleles (0.000066%); highest among the groups gnomAD compares: Non-Finnish European, 0.000088%; no homozygotes.

Submission:

Ambry Genetics
Classification: Uncertain significance for Cardiovascular phenotype. Last evaluated: 2024-09-17. Review status: criteria provided, single submitter. Criteria: Ambry Variant Classification Scheme 2023. Collection method: clinical testing. Allele origin: germline.
Comment: The p.A1067V variant (also known as c.3200C>T), located in coding exon 2 of the ZNF469 gene, results from a C to T substitution at nucleotide position 3200. The alanine at codon 1067 is replaced by valine, an amino acid with similar properties. This amino acid position is conserved. In addition, this alteration is predicted to be tolerated by in silico analysis. Based on the available evidence, the clinical significance of this variant remains unclear.

NM_001367624.2(ZNF469):c.3284C>T (p.Ala1095Val)

Genes: ZNF469 (zinc finger protein 469; plus strand), LOC130059718 (ATAC-STARR-seq lymphoblastoid silent region 7847; plus strand). Cytogenetic location: 16q24.2.
Variant type: single nucleotide variant.
Coding change: c.3284C>T on transcript NM_001367624.2 (MANE Select); coding-DNA position 3284, C replaced by T.
Protein change: p.Ala1095Val; replaces alanine 1095 with valine.
Molecular consequence: missense variant.
Genome position (GRCh38, 1-based): chr16:88,430,754, C>T. VCF-style: chr16-88430754-C-T. GRCh37 (hg19) VCF-style: chr16-88497162-C-T.
Other names: NM_001127464.1:c.3200C>T; short protein forms A1095V.
Identifiers: ClinVar variation 3476219 (VCV003476219.1).